The following is an entry in ClinVar:

ClinVar aggregate classification (germline): Conflicting classifications of pathogenicity. Review status: criteria provided, conflicting classifications (1 of 4 stars). 6 submissions from 6 submitters: Uncertain significance (5); Likely benign (1). Last evaluated 2025-02-02.

Conditions:
Classic or attenuated familial adenomatous polyposis. Identifiers: MedGen CN372698, MONDO:0021057.
Familial adenomatous polyposis 1 (FAP1). Also called: FAMILIAL ADENOMATOUS POLYPOSIS 1, ATTENUATED; POLYPOSIS, ADENOMATOUS INTESTINAL. Identifiers: MedGen C2713442, MONDO:0021056, OMIM 175100. Disease mechanism: loss of function.
Hereditary cancer-predisposing syndrome. Also called: Neoplastic Syndromes, Hereditary; Tumor predisposition; Hereditary Cancer Syndrome; Hereditary neoplastic syndrome. Identifiers: Orphanet 140162, MedGen C0027672, MeSH D009386, MONDO:0015356.

Allele frequency attached by ClinVar (database versions not stated): gnomAD 0.00001 and 0.00003; gnomAD exomes 0.00001.
gnomAD v4.1: 5 of 1,614,086 alleles (0.00031%); highest among the groups gnomAD compares: Admixed American, 0.0067%; no homozygotes.

Submissions (6):

Labcorp Genetics (formerly Invitae), Labcorp
Classification: Uncertain significance for Familial adenomatous polyposis 1. Last evaluated: 2025-02-02. Review status: criteria provided, single submitter. Criteria: Invitae Variant Classification Sherloc (09022015). Collection method: clinical testing. Allele origin: germline.
Comment: This sequence change replaces methionine, which is neutral and non-polar, with threonine, which is neutral and polar, at codon 891 of the APC protein (p.Met891Thr). This variant is present in population databases (no rsID available, gnomAD 0.01%). This variant has not been reported in the literature in individuals affected with APC-related conditions. ClinVar contains an entry for this variant (Variation ID: 232811). Invitae Evidence Modeling of protein sequence and biophysical properties (such as structural, functional, and spatial information, amino acid conservation, physicochemical variation, residue mobility, and thermodynamic stability) indicates that this missense variant is not expected to disrupt APC protein function with a negative predictive value of 95%. In summary, the available evidence is currently insufficient to determine the role of this variant in disease. Therefore, it has been classified as a Variant of Uncertain Significance.

Color Diagnostics, LLC DBA Color Health
Classification: Uncertain significance for Hereditary cancer-predisposing syndrome. Last evaluated: 2024-03-06. Review status: criteria provided, single submitter. Criteria: ACMG Guidelines, 2015. Collection method: clinical testing. Allele origin: germline.
Comment: This missense variant replaces methionine with threonine at codon 891 of the APC protein. Computational prediction is inconclusive regarding the impact of this variant on protein structure and function. To our knowledge, functional studies have not been reported for this variant. This variant has not been reported in individuals affected with APC-related disorders in the literature. This variant has been identified in 4/282182 chromosomes in the general population by the Genome Aggregation Database (gnomAD). The available evidence is insufficient to determine the role of this variant in disease conclusively. Therefore, this variant is classified as a Variant of Uncertain Significance.

Quest Diagnostics Nichols Institute San Juan Capistrano
Classification: Uncertain significance. Last evaluated: 2023-08-04. Review status: criteria provided, single submitter. Criteria: Quest Diagnostics criteria. Collection method: clinical testing. Allele origin: unknown.
Comment: To the best of our knowledge, this variant has not been reported in the published literature. The frequency of this variant in the general population, 0.00011 (4/35430 chromosomes in Latino/Admixed American subpopulation (Genome Aggregation Database)), is higher than would generally be expected for pathogenic variants in this gene. Analysis of this variant using bioinformatics tools for the prediction of the effect of amino acid changes on protein structure and function yielded predictions that this variant is damaging. Based on the available information, we are unable to determine the clinical significance of this variant.

Baylor Genetics
Classification: Uncertain significance for Familial adenomatous polyposis 1. Last evaluated: 2023-05-05. Review status: criteria provided, single submitter. Criteria: ACMG Guidelines, 2015. Collection method: clinical testing. Allele origin: unknown.

All of Us Research Program, National Institutes of Health
Classification: Uncertain significance for Classic or attenuated familial adenomatous polyposis. Last evaluated: 2023-03-09. Review status: criteria provided, single submitter. Criteria: ACMG Guidelines, 2015. Collection method: clinical testing. Allele origin: germline. Inheritance: Autosomal dominant inheritance. Observed: 1 variant allele, 1 heterozygote.
Comment: This missense variant replaces methionine with threonine at codon 891 of the APC protein. Computational prediction is inconclusive regarding the impact of this variant on protein structure and function (internally defined REVEL score threshold 0.5 < inconclusive < 0.7, PMID: 27666373). To our knowledge, functional studies have not been reported for this variant. This variant has not been reported in individuals affected with APC-related disorders in the literature. This variant has been identified in 4/282182 chromosomes in the general population by the Genome Aggregation Database (gnomAD). The available evidence is insufficient to determine the role of this variant in disease conclusively. Therefore, this variant is classified as a Variant of Uncertain Significance.

This study involves interpretation of variants in research participants for the purpose of population health screening. Participant phenotype was not available at the time of variant classification. Additional details can be found in publication PMID: 35346344, PMCID: PMC8962531

Ambry Genetics
Classification: Likely benign for Hereditary cancer-predisposing syndrome. Last evaluated: 2023-03-03. Review status: criteria provided, single submitter. Criteria: Ambry Variant Classification Scheme 2023. Collection method: clinical testing. Allele origin: germline.

NM_000038.6(APC):c.2672T>C (p.Met891Thr)

Gene: APC (APC regulator of Wnt signaling pathway; plus strand). Cytogenetic location: 5q22.2.
Variant type: single nucleotide variant.
Coding change: c.2672T>C on transcript NM_000038.6 (MANE Select); coding-DNA position 2672, T replaced by C.
Protein change: p.Met891Thr; replaces methionine 891 with threonine.
Molecular consequence: missense variant.
Genome position (GRCh38, 1-based): chr5:112,838,266, T>C. VCF-style: chr5-112838266-T-C. GRCh37 (hg19) VCF-style: chr5-112173963-T-C.
Other names: c.2672T>C, p.Met891Thr (NM_001127510.3, NM_001354895.2); c.2618T>C, p.Met873Thr (NM_001127511.3); c.2726T>C, p.Met909Thr (NM_001354896.2); c.2702T>C, p.Met901Thr (NM_001354897.2); c.2597T>C, p.Met866Thr (NM_001354898.2); c.2588T>C, p.Met863Thr (NM_001354899.2); c.2549T>C, p.Met850Thr (NM_001354900.2); c.2495T>C, p.Met832Thr (NM_001354901.2); and 5 more; short protein forms M873T, M891T, M731T, M765T, M850T, M863T, M790T, M909T.
Identifiers: ClinVar variation 232811 (VCV000232811.18), dbSNP rs876660004, ClinGen allele CA10578343.